The following is an entry in ClinVar:

NM_001184.4(ATR):c.2831G>A (p.Ser944Asn)

Gene: ATR (ATR serine/threonine kinase; minus strand). Cytogenetic location: 3q23.
Variant type: single nucleotide variant.
Coding change: c.2831G>A on transcript NM_001184.4 (MANE Select); coding-DNA position 2831, G replaced by A.
Protein change: p.Ser944Asn; replaces serine 944 with asparagine.
Molecular consequence: missense variant.
Genome position (GRCh38, 1-based): chr3:142,550,277, C>T on the plus strand (G>A on the coding strand, the complement: ATR is on the minus strand). VCF-style: chr3-142550277-C-T. GRCh37 (hg19) VCF-style: chr3-142269119-C-T.
Other names: c.2639G>A, p.Ser880Asn (NM_001354579.2); short protein forms S880N, S944N.
Identifiers: ClinVar variation 3463387 (VCV003463387.1).

ClinVar aggregate classification (germline): Uncertain significance (1 of 4 stars; one submission).

Conditions:
Inborn genetic diseases. Identifiers: MedGen C0950123, MeSH D030342.

Submission:

Ambry Genetics
Classification: Uncertain significance for Inborn genetic diseases. Last evaluated: 2024-11-08. Review status: criteria provided, single submitter. Criteria: Ambry Variant Classification Scheme 2023. Collection method: clinical testing. Allele origin: germline.
Comment: The p.S944N variant (also known as c.2831G>A), located in coding exon 14 of the ATR gene, results from a G to A substitution at nucleotide position 2831. The serine at codon 944 is replaced by asparagine, an amino acid with highly similar properties. This amino acid position is conserved. In addition, this alteration is predicted to be tolerated by in silico analysis. Based on the available evidence, the clinical significance of this variant remains unclear.